The following is an entry in ClinVar:

NM_025099.6(CTC1):c.553C>G (p.Pro185Ala)

Gene: CTC1 (CST telomere replication complex component 1; minus strand). Cytogenetic location: 17p13.1.
Variant type: single nucleotide variant.
Coding change: c.553C>G on transcript NM_025099.6 (MANE Select); coding-DNA position 553, C replaced by G.
Protein change: p.Pro185Ala; replaces proline 185 with alanine.
Molecular consequence: missense variant. On other transcripts: non-coding transcript variant (1).
Genome position (GRCh38, 1-based): chr17:8,238,125, G>C on the plus strand (C>G on the coding strand, the complement: CTC1 is on the minus strand). VCF-style: chr17-8238125-G-C. GRCh37 (hg19) VCF-style: chr17-8141443-G-C.
Other names: c.553C>G (NM_025099.5); short protein forms P185A.
Identifiers: ClinVar variation 1500562 (VCV001500562.9), dbSNP rs766180217, ClinGen allele CA8372610.

ClinVar aggregate classification (germline): Uncertain significance. Review status: criteria provided, multiple submitters, no conflicts (2 of 4 stars). 2 submissions from 2 submitters: Uncertain significance (2). Last evaluated 2025-04-03.

Conditions:
Inborn genetic diseases. Identifiers: MedGen C0950123, MeSH D030342.
Dyskeratosis congenita. Identifiers: Orphanet 1775, MedGen C0265965, MONDO:0015780.

Allele frequency attached by ClinVar (database versions not stated): gnomAD exomes below 0.00001 and 0.00001; ExAC 0.00001.
gnomAD v4.1: 2 of 1,614,136 alleles (0.00012%); highest among the groups gnomAD compares: Admixed American, 0.0033%; no homozygotes.

Submissions (2):

Ambry Genetics
Classification: Uncertain significance for Inborn genetic diseases. Last evaluated: 2025-04-03. Review status: criteria provided, single submitter. Criteria: Ambry Variant Classification Scheme 2023. Collection method: clinical testing. Allele origin: germline.

Labcorp Genetics (formerly Invitae), Labcorp
Classification: Uncertain significance for Dyskeratosis congenita. Last evaluated: 2022-01-07. Review status: criteria provided, single submitter. Criteria: Invitae Variant Classification Sherloc (09022015). Collection method: clinical testing. Allele origin: germline.
Comment: In summary, the available evidence is currently insufficient to determine the role of this variant in disease. Therefore, it has been classified as a Variant of Uncertain Significance. Algorithms developed to predict the effect of missense changes on protein structure and function are either unavailable or do not agree on the potential impact of this missense change (SIFT: "Deleterious"; PolyPhen-2: "Probably Damaging"; Align-GVGD: "Class C0"). This variant has not been reported in the literature in individuals affected with CTC1-related conditions. This variant is present in population databases (rs766180217, gnomAD 0.006%). This sequence change replaces proline, which is neutral and non-polar, with alanine, which is neutral and non-polar, at codon 185 of the CTC1 protein (p.Pro185Ala).